The following is an entry in ClinVar:

NM_024529.5(CDC73):c.-4dup

Gene: CDC73 (cell division cycle 73; plus strand). Cytogenetic location: 1q31.2.
Variant type: Duplication.
Coding change: c.-4dup on transcript NM_024529.5 (MANE Select); 4 bases upstream of the start codon, one base duplicated (G; older notation c.-4dupG).
Molecular consequence: 5 prime UTR variant.
Genome position (GRCh38, 1-based): chr1:193,122,197, G duplicated; the last of 8 consecutive G bases (chr1:193,122,190-193,122,197); duplicating any one gives the same sequence. VCF-style (leftmost placement, unchanged base first): chr1-193122189-A-AG. GRCh37 (hg19) VCF-style: chr1-193091319-A-AG.
Other names: c.-4dupG (NM_024529.4, NM_024529.5).
Identifiers: ClinVar variation 286328 (VCV000286328.62), dbSNP rs545666726, ClinGen allele CA1303226.

ClinVar aggregate classification (germline): Conflicting classifications of pathogenicity. Review status: criteria provided, conflicting classifications (1 of 4 stars). 12 submissions from 12 submitters: Uncertain significance (1); Benign (6); Likely benign (4). 1 of the submissions does not count toward it. Last evaluated 2026-09-01.

Conditions:
Hereditary cancer-predisposing syndrome. Also called: Tumor predisposition; Neoplastic Syndromes, Hereditary; Hereditary neoplastic syndrome; Hereditary Cancer Syndrome. Identifiers: Orphanet 140162, MedGen C0027672, MeSH D009386, MONDO:0015356.
CDC73-related disorder. Also called: CDC73-related disorders; CDC73-related condition. Identifiers: MedGen CN169292.
Hyperparathyroidism 2 with jaw tumors. Also called: Hyperparathyroidism-Jaw Tumor Syndrome; Hyperparathyroidism 2; HYPERPARATHYROIDISM, FAMILIAL PRIMARY, WITH MULTIPLE OSSIFYING JAW FIBROMAS; HYPERPARATHYROIDISM-JAW TUMOR SYNDROME, HEREDITARY. Identifiers: Orphanet 99880, MedGen C1704981, MONDO:0007768, OMIM 145001.
Parathyroid carcinoma (PRTC). Also called: Parathyroid gland carcinoma; CDC73-Related Parathyroid Carcinoma. Identifiers: Orphanet 143, MedGen C0687150, MONDO:0012004, OMIM 608266, HP:0006780.

Submissions (12):

CeGaT Center for Human Genetics Tuebingen
Classification: Benign. Last evaluated: 2026-09-01. Review status: criteria provided, single submitter. Criteria: CeGaT Center For Human Genetics Tuebingen Variant Classification Criteria Version 2. Collection method: clinical testing. Allele origin: germline. Affected: yes. Observed: 69 variant alleles.
Comment: CDC73: BP4, BS1, BS2

Labcorp Genetics (formerly Invitae), Labcorp
Classification: Benign for Parathyroid carcinoma. Last evaluated: 2025-10-01. Review status: criteria provided, single submitter. Criteria: Invitae Variant Classification Sherloc (09022015). Collection method: clinical testing. Allele origin: germline.

Genomic Medicine Center of Excellence, King Faisal Specialist Hospital and Research Centre
Classification: Likely benign for Hyperparathyroidism 2 with jaw tumors. Last evaluated: 2025-09-10. Review status: criteria provided, single submitter. Criteria: ACMG Guidelines, 2015. Collection method: clinical testing. Allele origin: germline.

Center for Genomic Medicine, Rigshospitalet, Copenhagen University Hospital
Classification: Likely benign. Last evaluated: 2025-03-04. Review status: criteria provided, single submitter. Criteria: ACMG Guidelines, 2015. Collection method: clinical testing. Allele origin: germline.

Molecular Diagnostics Laboratory, Catalan Institute of Oncology
Classification: Uncertain significance for Hereditary cancer-predisposing syndrome. Last evaluated: 2025-02-20. Review status: criteria provided, single submitter. Criteria: ACMG Guidelines, 2015. Collection method: clinical testing. Allele origin: germline.
Comment: BS1 CDC73: c.-4dup is a 5'UTR variant located close to a canonical splice site. The variant allele was found in 1096/115688 alleles, with a filter allele frequency of 0.9% at 99% confidence, within the non-Finnish European population in the gnomAD v2.1.1 database (non-cancer data set) (BS1). To our knowledge, neither relevant clinical data nor well-established functional studies have been reported for this variant. It has been reported in homozygous state in 15 individuals in the gnomAD v2.1.1 database, non-cancer dataset. This variant has been reported in the ClinVar database (6x benign,3x likely benign, 3x uncertain significance) and in LOVD (1x likely benign). Based on currently available information, the variant c.-4dup should be considered an uncertain significance variant according to ACMG/AMP classification guidelines.

Blueprint Genetics
Classification: Likely benign. Last evaluated: 2024-11-21. Review status: criteria provided, single submitter. Criteria: ACMG Guidelines, 2015. Collection method: clinical testing. Allele origin: germline.

Institute for Clinical Genetics, University Hospital TU Dresden, University Hospital TU Dresden
Classification: Likely benign. Last evaluated: 2021-11-03. Review status: criteria provided, single submitter. Criteria: ACMG Guidelines, 2015. Collection method: clinical testing. Allele origin: germline.

Ambry Genetics
Classification: Benign for Hereditary cancer-predisposing syndrome. Last evaluated: 2018-09-21. Review status: criteria provided, single submitter. Criteria: Ambry Variant Classification Scheme 2023. Collection method: clinical testing. Allele origin: germline.

GeneDx
Classification: Benign. Last evaluated: 2017-06-22. Review status: criteria provided, single submitter. Criteria: GeneDx Variant Classification Process June 2021. Collection method: clinical testing. Allele origin: germline. Affected: yes.
Comment: This variant is associated with the following publications: (PMID: 28774260)

Women's Health and Genetics/Laboratory Corporation of America, LabCorp
Classification: Benign. Last evaluated: 2016-04-28. Review status: criteria provided, single submitter. Criteria: LabCorp Variant Classification Summary - May 2015. Collection method: clinical testing. Allele origin: germline.
Comment: Variant summary: c.-4dupG is located in the 5UTR region. Mutation taster predicts deleterious outcome. 4/5 in silico tools in Alamut predict no significant change on splicing pattern, however, these predictions should be taken with caution as Alamut tools are not meant to analyze UTR regions. The variant is present in the control population dataset of ExAC at frequency of 0.94%, predominantly in individuals of European descent (1.2%), including several homozygous occurrences. The observed frequency greatly exceeds the maximum expected allele frequency for a pathogenic variant of 0.0004%, suggesting that it is a benign polymorphism. The variant of interest has not, to our knowledge, been reported in affected individuals but cited as "Benign" by a clinical laboratory. Taking together, based on the prevalence of this variant in general population the variant was classified as Benign.

Eurofins Ntd Llc (ga)
Classification: Benign. Last evaluated: 2016-02-25. Review status: criteria provided, single submitter. Criteria: EGL Classification Definitions. Collection method: clinical testing. Allele origin: germline. Observed: 1 variant allele, 1 heterozygote.

PreventionGenetics, part of Exact Sciences
Classification: Likely benign for CDC73-related condition. Last evaluated: 2019-05-30. Review status: no assertion criteria provided. Collection method: clinical testing. Allele origin: germline. Not counted in ClinVar's aggregate classification.
Comment: This variant is classified as likely benign based on ACMG/AMP sequence variant interpretation guidelines (Richards et al. 2015 PMID: 25741868, with internal and published modifications).